The following is an entry in ClinVar:

ClinVar aggregate classification (germline): Likely pathogenic (1 of 4 stars; one submission).

Submission:

Labcorp Genetics (formerly Invitae), Labcorp
Classification: Likely pathogenic. Last evaluated: 2025-02-28. Review status: criteria provided, single submitter. Criteria: Invitae Variant Classification Sherloc (09022015). Collection method: clinical testing. Allele origin: germline.
Comment: This sequence change affects an acceptor splice site in intron 24 of the CEP250 gene. It is expected to disrupt RNA splicing. Variants that disrupt the donor or acceptor splice site typically lead to a loss of protein function (PMID: 16199547), and loss-of-function variants in CEP250 are known to be pathogenic (PMID: 24780881, 29718797). This variant is not present in population databases (gnomAD no frequency). This variant has not been reported in the literature in individuals affected with CEP250-related conditions. Algorithms developed to predict the effect of sequence changes on RNA splicing suggest that this variant may disrupt the consensus splice site. In summary, the currently available evidence indicates that the variant is pathogenic, but additional data are needed to prove that conclusively. Therefore, this variant has been classified as Likely Pathogenic.

Literature cited by the submitters: PubMed 16199547; PubMed 24780881; PubMed 29718797.

NM_007186.6(CEP250):c.3168-1G>T

Gene: CEP250 (centrosomal protein 250; plus strand). Cytogenetic location: 20q11.22.
Variant type: single nucleotide variant.
Coding change: c.3168-1G>T on transcript NM_007186.6 (MANE Select); the canonical splice acceptor site of the intron before coding-DNA position 3168, G replaced by T.
Molecular consequence: splice acceptor variant.
Genome position (GRCh38, 1-based): chr20:35,496,576, G>T. VCF-style: chr20-35496576-G-T. GRCh37 (hg19) VCF-style: chr20-34084405-G-T.
Other names: c.1272-1G>T (NM_001318219.1).
Identifiers: ClinVar variation 4714109 (VCV004714109.1).